The following is an entry in ClinVar:

NM_022455.5(NSD1):c.3796+1G>A

Gene: NSD1 (nuclear receptor binding SET domain protein 1; plus strand). Cytogenetic location: 5q35.3.
Variant type: single nucleotide variant.
Coding change: c.3796+1G>A on transcript NM_022455.5 (MANE Select); the canonical splice donor site of the intron after coding-DNA position 3796, G replaced by A.
Molecular consequence: splice donor variant.
Genome position (GRCh38, 1-based): chr5:177,212,196, G>A. VCF-style: chr5-177212196-G-A. GRCh37 (hg19) VCF-style: chr5-176639197-G-A.
Other names: c.3796+1G>A (NM_001409301.1, NM_001409302.1, NM_001409303.1); c.3376+1G>A (NM_001409304.1); c.3043+1G>A (NM_001409305.1); c.2923+1G>A (NM_001409306.1, NM_001409308.1, NM_001409307.1 and 3 more transcripts).
Identifiers: ClinVar variation 3341159 (VCV003341159.1).

ClinVar aggregate classification (germline): Pathogenic (1 of 4 stars; one submission).

Conditions:
Sotos syndrome (SOTOS). Also called: Sotos' syndrome; Distinctive facial appearance, overgrowth in childhood, and learning disabilities or delayed development; CEREBRAL GIGANTISM; CHROMOSOME 5q35 DELETION SYNDROME; SOTOS SYNDROME 1. Identifiers: Orphanet 821, MedGen C0175695, MONDO:0019349, OMIM 117550.

Submission:

Institute of Human Genetics, FAU Erlangen, Friedrich-Alexander-Universität Erlangen-Nürnberg
Classification: Pathogenic for Sotos syndrome. Last evaluated: 2024-09-30. Review status: criteria provided, single submitter. Criteria: Hauer et al. (Genet Med. 2018). Collection method: clinical testing. Allele origin: germline. Inheritance: Autosomal dominant inheritance. Affected: yes. Observed: 1 variant allele.
Comment: This variant has been identified by standard clinical testing. Selected ACMG criteria: Pathogenic (I):PM2;PS2;PVS1